The following is an entry in ClinVar:

ClinVar aggregate classification (germline): Uncertain significance. Review status: criteria provided, multiple submitters, no conflicts (2 of 4 stars). 3 submissions from 3 submitters: Uncertain significance (3). Last evaluated 2025-08-27.

Conditions:
Cognitive impairment - coarse facies - heart defects - obesity - pulmonary involvement - short stature - skeletal dysplasia syndrome. Also called: Chops syndrome; COGNITIVE IMPAIRMENT, COARSE FACIES, HEART DEFECTS, OBESITY, PULMONARY INVOLVEMENT, SHORT STATURE, AND SKELETAL DYSPLASIA; AFF4-Related CHOPS Syndrome. Identifiers: Orphanet 444077, MedGen C4085597, MONDO:0014609, OMIM 616368.
AFF4-related disorder. Also called: AFF4-related condition.
Inborn genetic diseases. Identifiers: MedGen C0950123, MeSH D030342.

Allele frequency attached by ClinVar (database versions not stated): ExAC 0.00001; gnomAD exomes 0.00001; gnomAD 0.00003; TOPMed 0.00003.
gnomAD v4.1: 16 of 1,613,778 alleles (0.00099%); highest among the groups gnomAD compares: African/African-American, 0.012%; no homozygotes.

Submissions (3):

PreventionGenetics, part of Exact Sciences
Classification: Uncertain significance for AFF4-related condition. Last evaluated: 2025-08-27. Review status: criteria provided, single submitter. Criteria: ACMG Guidelines, 2015. Collection method: clinical testing. Allele origin: germline.
Comment: The AFF4 c.2704C>T variant is predicted to result in the amino acid substitution p.Arg902Trp. To our knowledge, this variant has not been reported in the literature. This variant is reported in 0.018% of alleles in individuals of African descent in gnomAD, which may be too common to be a primary cause of disease. Although we suspect that this variant may be benign, at this time, the clinical significance of this variant is uncertain due to the absence of conclusive functional and genetic evidence.

Labcorp Genetics (formerly Invitae), Labcorp
Classification: Uncertain significance for Cognitive impairment - coarse facies - heart defects - obesity - pulmonary involvement - short stature - skeletal dysplasia syndrome. Last evaluated: 2024-05-14. Review status: criteria provided, single submitter. Criteria: Invitae Variant Classification Sherloc (09022015). Collection method: clinical testing. Allele origin: germline.
Comment: This sequence change replaces arginine, which is basic and polar, with tryptophan, which is neutral and slightly polar, at codon 902 of the AFF4 protein (p.Arg902Trp). This variant is present in population databases (rs780415481, gnomAD 0.02%). This variant has not been reported in the literature in individuals affected with AFF4-related conditions. ClinVar contains an entry for this variant (Variation ID: 2588188). Advanced modeling of protein sequence and biophysical properties (such as structural, functional, and spatial information, amino acid conservation, physicochemical variation, residue mobility, and thermodynamic stability) performed at Invitae indicates that this missense variant is expected to disrupt AFF4 protein function with a positive predictive value of 80%. In summary, the available evidence is currently insufficient to determine the role of this variant in disease. Therefore, it has been classified as a Variant of Uncertain Significance.

Ambry Genetics
Classification: Uncertain significance for Inborn genetic diseases. Last evaluated: 2023-06-16. Review status: criteria provided, single submitter. Criteria: Ambry Variant Classification Scheme 2023. Collection method: clinical testing. Allele origin: germline.

NM_014423.4(AFF4):c.2704C>T (p.Arg902Trp)

Gene: AFF4 (ALF transcription elongation factor 4; minus strand). Cytogenetic location: 5q31.1.
Variant type: single nucleotide variant.
Coding change: c.2704C>T on transcript NM_014423.4 (MANE Select); coding-DNA position 2704, C replaced by T.
Protein change: p.Arg902Trp; replaces arginine 902 with tryptophan.
Molecular consequence: missense variant.
Genome position (GRCh38, 1-based): chr5:132,889,107, G>A on the plus strand (C>T on the coding strand, the complement: AFF4 is on the minus strand). VCF-style: chr5-132889107-G-A. GRCh37 (hg19) VCF-style: chr5-132224799-G-A.
Other names: short protein forms R902W.
Identifiers: ClinVar variation 2588188 (VCV002588188.7), dbSNP rs780415481, ClinGen allele CA3408852.
Genomic context (GRCh38, chr5:132,889,107, plus strand): 5'-AAATACAGATACAAAAAATCATATTATCTCACCTGTCATCAAAGACAAGCTTTGTTCTCC[G>A]AGGCTTAGAAGAATCAAGAGTTGGTGCAGATGGAGGACAGTTAGAGGAGCTACTTGGAGC-3'
Protein context (NP_055238.1, residues 892-912): SAPTLDSSKP[Arg902Trp]RTKLVFDDRN